The following is an entry in ClinVar:

NM_005431.2(XRCC2):c.383T>G (p.Leu128Arg)

Gene: XRCC2 (X-ray repair cross complementing 2; minus strand). Cytogenetic location: 7q36.1.
Variant type: single nucleotide variant.
Coding change: c.383T>G on transcript NM_005431.2 (MANE Select); coding-DNA position 383, T replaced by G.
Protein change: p.Leu128Arg; replaces leucine 128 with arginine.
Molecular consequence: missense variant.
Genome position (GRCh38, 1-based): chr7:152,649,102, A>C on the plus strand (T>G on the coding strand, the complement: XRCC2 is on the minus strand). VCF-style: chr7-152649102-A-C. GRCh37 (hg19) VCF-style: chr7-152346187-A-C.
Other names: short protein forms L128R.
Identifiers: ClinVar variation 4202870 (VCV004202870.1).

ClinVar aggregate classification (germline): Uncertain significance (1 of 4 stars; one submission).

Conditions:
Hereditary cancer-predisposing syndrome. Also called: Neoplastic Syndromes, Hereditary; Tumor predisposition; Hereditary Cancer Syndrome; Hereditary neoplastic syndrome. Identifiers: Orphanet 140162, MedGen C0027672, MeSH D009386, MONDO:0015356.

Submission:

Ambry Genetics
Classification: Uncertain significance for Hereditary cancer-predisposing syndrome. Last evaluated: 2025-08-24. Review status: criteria provided, single submitter. Criteria: Ambry Variant Classification Scheme 2023. Collection method: clinical testing. Allele origin: germline.
Comment: The p.L128R variant (also known as c.383T>G), located in coding exon 3 of the XRCC2 gene, results from a T to G substitution at nucleotide position 383. The leucine at codon 128 is replaced by arginine, an amino acid with dissimilar properties. This amino acid position is conserved. In addition, the in silico prediction for this alteration is inconclusive. Based on the available evidence, the clinical significance of this variant remains unclear.